The following is an entry in ClinVar:

NM_020458.4(TTC7A):c.1794G>C (p.Glu598Asp)

Gene: TTC7A (tetratricopeptide repeat domain 7A; plus strand). Cytogenetic location: 2p21.
Variant type: single nucleotide variant.
Coding change: c.1794G>C on transcript NM_020458.4 (MANE Select); coding-DNA position 1794, G replaced by C.
Protein change: p.Glu598Asp; replaces glutamic acid 598 with aspartic acid.
Molecular consequence: missense variant.
Genome position (GRCh38, 1-based): chr2:47,029,376, G>C. VCF-style: chr2-47029376-G-C. GRCh37 (hg19) VCF-style: chr2-47256515-G-C.
Other names: c.1794G>C, p.Glu598Asp (NM_001288951.2); c.1692G>C, p.Glu564Asp (NM_001288953.2); c.732G>C, p.Glu244Asp (NM_001288955.2); short protein forms E598D, E564D, E244D.
Identifiers: ClinVar variation 2080110 (VCV002080110.4), dbSNP rs1413949959, ClinGen allele CA346717842.
Genomic context (GRCh38, chr2:47,029,376, plus strand): 5'-CCAGAAGCACCACCAGCATGCCCTGGATGTTGTCAACATGGCCATCACCGAGCACCCTGA[G>C]AACTTCAAGTGAGTGCCCTGGGAACACTCTGGCAGTGGGGGAGCTGGCTGGCCTCTGCAG-3'
Protein context (NP_065191.2, residues 588-608): VVNMAITEHP[Glu598Asp]NFNLMFTKVK

ClinVar aggregate classification (germline): Uncertain significance (1 of 4 stars; one submission).

Conditions:
Multiple gastrointestinal atresias. Also called: FAMILIAL INTESTINAL POLYATRESIA SYNDROME; Multiple intestinal atresia. Identifiers: Orphanet 2300, MedGen C0220744, MONDO:0009465.

Allele frequency attached by ClinVar (database versions not stated): gnomAD exomes below 0.00001; TOPMed below 0.00001.
gnomAD v4.1: 2 of 1,613,748 alleles (0.00012%); highest among the groups gnomAD compares: Non-Finnish European, 0.00017%; no homozygotes.

Submission:

Labcorp Genetics (formerly Invitae), Labcorp
Classification: Uncertain significance for Multiple gastrointestinal atresias. Last evaluated: 2022-01-11. Review status: criteria provided, single submitter. Criteria: Invitae Variant Classification Sherloc (09022015). Collection method: clinical testing. Allele origin: germline.
Comment: Algorithms developed to predict the effect of missense changes on protein structure and function (SIFT, PolyPhen-2, Align-GVGD) all suggest that this variant is likely to be tolerated. This variant has not been reported in the literature in individuals affected with TTC7A-related conditions. This variant is present in population databases (no rsID available, gnomAD 0.0009%). This sequence change replaces glutamic acid, which is acidic and polar, with aspartic acid, which is acidic and polar, at codon 598 of the TTC7A protein (p.Glu598Asp). In summary, the available evidence is currently insufficient to determine the role of this variant in disease. Therefore, it has been classified as a Variant of Uncertain Significance.